The following is an entry in ClinVar:

NM_006206.6(PDGFRA):c.336T>C (p.Leu112=)

Gene: PDGFRA (platelet derived growth factor receptor alpha; plus strand). Cytogenetic location: 4q12.
Variant type: single nucleotide variant.
Coding change: c.336T>C on transcript NM_006206.6 (MANE Select); coding-DNA position 336, T replaced by C.
Protein change: p.Leu112=; no amino-acid change (leucine 112 retained).
Molecular consequence: synonymous variant.
Genome position (GRCh38, 1-based): chr4:54,261,381, T>C. VCF-style: chr4-54261381-T-C. GRCh37 (hg19) VCF-style: chr4-55127548-T-C.
Other names: c.336T>C, p.Leu112= (NM_001347827.2, NM_001347829.2); c.411T>C, p.Leu137= (NM_001347828.2); c.375T>C, p.Leu125= (NM_001347830.2).
Identifiers: ClinVar variation 2915000 (VCV002915000.25), dbSNP rs2475423707, ClinGen allele CA439285418.

ClinVar aggregate classification (germline): Likely benign. Review status: criteria provided, multiple submitters, no conflicts (2 of 4 stars). 3 submissions from 3 submitters: Likely benign (3). Last evaluated 2024-03-01.

Conditions:
Hereditary cancer-predisposing syndrome. Also called: Hereditary Cancer Syndrome; Hereditary neoplastic syndrome; Neoplastic Syndromes, Hereditary; Tumor predisposition. Identifiers: Orphanet 140162, MedGen C0027672, MeSH D009386, MONDO:0015356.
Gastrointestinal stromal tumor. Also called: Gastrointestinal stroma tumor; Gastrointestinal stromal tumor, somatic. Identifiers: Orphanet 44890, MedGen C0238198, MeSH D046152, MONDO:0011719, OMIM 606764, HP:0100723.

Submissions (3):

CeGaT Center for Human Genetics Tuebingen
Classification: Likely benign. Last evaluated: 2024-03-01. Review status: criteria provided, single submitter. Criteria: CeGaT Center For Human Genetics Tuebingen Variant Classification Criteria Version 2. Collection method: clinical testing. Allele origin: germline. Affected: yes. Observed: 1 variant allele.
Comment: PDGFRA: PM2:Supporting, BP4, BP7

Ambry Genetics
Classification: Likely benign for Hereditary cancer-predisposing syndrome. Last evaluated: 2023-12-14. Review status: criteria provided, single submitter. Criteria: Ambry Variant Classification Scheme 2023. Collection method: clinical testing. Allele origin: germline.

Labcorp Genetics (formerly Invitae), Labcorp
Classification: Likely benign for Gastrointestinal stromal tumor. Last evaluated: 2022-11-26. Review status: criteria provided, single submitter. Criteria: Invitae Variant Classification Sherloc (09022015). Collection method: clinical testing. Allele origin: germline.